The following is an entry in ClinVar:

NM_000166.6(GJB1):c.-16-35_264del

Gene: GJB1 (gap junction protein beta 1; plus strand). Cytogenetic location: Xq13.1.
Variant type: Deletion.
Coding change: c.-16-35_264del on transcript NM_000166.6 (MANE Select); 35 bases into the intron before 16 bases upstream of the start codon through coding-DNA position 264, 315 bases deleted.
Molecular consequence: splice acceptor variant, initiator codon variant.
Genome position (GRCh38, 1-based): chrX:71,223,657-71,223,971, 315 bases deleted. GRCh37 (hg19): chrX:70,443,507-70,443,821.
Other names: c.-16-35_264del (NM_001097642.3).
Identifiers: ClinVar variation 2857643 (VCV002857643.3), dbSNP rs2519797436, ClinGen allele CA2739273574.

ClinVar aggregate classification (germline): Pathogenic (1 of 4 stars; one submission).

Conditions:
Charcot-Marie-Tooth Neuropathy X. Identifiers: MedGen CN118851.

Submission:

Labcorp Genetics (formerly Invitae), Labcorp
Classification: Pathogenic for Charcot-Marie-Tooth Neuropathy X. Last evaluated: 2023-04-19. Review status: criteria provided, single submitter. Criteria: Invitae Variant Classification Sherloc (09022015). Collection method: clinical testing. Allele origin: germline.
Comment: This variant results in the deletion of part of exon 2 (c.-16-35_264del) of the GJB1 gene. It is expected to result in an absent or disrupted protein product. Loss-of-function variants in GJB1 are known to be pathogenic (PMID: 11266688). This variant has not been reported in the literature in individuals affected with GJB1-related conditions. For these reasons, this variant has been classified as Pathogenic.

Literature cited by the submitters: PubMed 11266688.